The following is an entry in ClinVar:

ClinVar aggregate classification (germline): Benign. Review status: criteria provided, single submitter (1 of 4 stars). 2 submissions from 2 submitters: Benign (1). 1 of the submissions does not count toward it. Last evaluated 2024-04-15.

Conditions:
CHRM3-related disorder. Also called: CHRM3-related condition.

Allele frequency attached by ClinVar (database versions not stated): 1000 Genomes Project 0.00080; 1000 Genomes Project 30x 0.00078; ESP Exome Variant Server 0.00085.
gnomAD v4.1: 283 of 1,614,160 alleles (0.018%); highest among the groups gnomAD compares: African/African-American, 0.19%; no homozygotes.

Submissions (2):

Labcorp Genetics (formerly Invitae), Labcorp
Classification: Benign. Last evaluated: 2024-04-15. Review status: criteria provided, single submitter. Criteria: Invitae Variant Classification Sherloc (09022015). Collection method: clinical testing. Allele origin: germline.

PreventionGenetics, part of Exact Sciences
Classification: Likely benign for CHRM3-related condition. Last evaluated: 2019-10-28. Review status: no assertion criteria provided. Collection method: clinical testing. Allele origin: germline. Not counted in ClinVar's aggregate classification.
Comment: This variant is classified as likely benign based on ACMG/AMP sequence variant interpretation guidelines (Richards et al. 2015 PMID: 25741868, with internal and published modifications).

NM_001375978.1(CHRM3):c.159C>T (p.Asp53=)

Gene: CHRM3 (cholinergic receptor muscarinic 3; plus strand). Cytogenetic location: 1q43.
Variant type: single nucleotide variant.
Coding change: c.159C>T on transcript NM_001375978.1 (MANE Select); coding-DNA position 159, C replaced by T.
Protein change: p.Asp53=; no amino-acid change (aspartic acid 53 retained).
Molecular consequence: synonymous variant.
Genome position (GRCh38, 1-based): chr1:239,907,610, C>T. VCF-style: chr1-239907610-C-T. GRCh37 (hg19) VCF-style: chr1-240070910-C-T.
Other names: c.159C>T (NM_000740.3); c.159C>T, p.Asp53= (NM_000740.4, NM_001347716.2, NM_001375979.1 and 6 more transcripts).
Identifiers: ClinVar variation 2056291 (VCV002056291.6), dbSNP rs149077005, ClinGen allele CA1475738.